The following is an entry in ClinVar:

ClinVar aggregate classification (germline): Likely benign. Review status: criteria provided, multiple submitters, no conflicts (2 of 4 stars). 2 submissions from 2 submitters: Likely benign (2). Last evaluated 2024-09-10.

Allele frequency attached by ClinVar (database versions not stated): ExAC 0.00003; gnomAD 0.00008; gnomAD exomes 0.00010; TOPMed 0.00011; 1000 Genomes Project 30x 0.00031; 1000 Genomes Project 0.00040.

Submissions (2):

Blueprint Genetics
Classification: Likely benign. Last evaluated: 2024-09-10. Review status: criteria provided, single submitter. Criteria: ACMG Guidelines, 2015. Collection method: clinical testing. Allele origin: germline.

CeGaT Center for Human Genetics Tuebingen
Classification: Likely benign. Last evaluated: 2022-10-01. Review status: criteria provided, single submitter. Criteria: CeGaT Center For Human Genetics Tuebingen Variant Classification Criteria Version 2. Collection method: clinical testing. Allele origin: germline. Affected: yes. Observed: 1 variant allele.
Comment: CDK9: BP4, BP7

NM_001261.4(CDK9):c.876C>T (p.Ile292=)

Gene: CDK9 (cyclin dependent kinase 9; plus strand). Cytogenetic location: 9q34.11.
Variant type: single nucleotide variant.
Coding change: c.876C>T on transcript NM_001261.4 (MANE Select); coding-DNA position 876, C replaced by T.
Protein change: p.Ile292=; no amino-acid change (isoleucine 292 retained).
Molecular consequence: synonymous variant.
Genome position (GRCh38, 1-based): chr9:127,789,300, C>T. VCF-style: chr9-127789300-C-T. GRCh37 (hg19) VCF-style: chr9-130551579-C-T.
Identifiers: ClinVar variation 2659515 (VCV002659515.25), dbSNP rs574082027, ClinGen allele CA5251888.